The following is an entry in ClinVar:

ClinVar aggregate classification (germline): Uncertain significance (1 of 4 stars; one submission).

Conditions:
Oligodontia-cancer predisposition syndrome. Also called: TOOTH AGENESIS-COLORECTAL CANCER SYNDROME. Identifiers: Orphanet 300576, MedGen C1837750, MONDO:0012075, OMIM 608615. Disease mechanism: loss of function.

Submission:

Labcorp Genetics (formerly Invitae), Labcorp
Classification: Uncertain significance for Oligodontia-cancer predisposition syndrome. Last evaluated: 2023-08-01. Review status: criteria provided, single submitter. Criteria: Invitae Variant Classification Sherloc (09022015). Collection method: clinical testing. Allele origin: germline.
Comment: In summary, the available evidence is currently insufficient to determine the role of this variant in disease. Therefore, it has been classified as a Variant of Uncertain Significance. Advanced modeling of protein sequence and biophysical properties (such as structural, functional, and spatial information, amino acid conservation, physicochemical variation, residue mobility, and thermodynamic stability) performed at Invitae indicates that this missense variant is not expected to disrupt AXIN2 protein function. ClinVar contains an entry for this variant (Variation ID: 464594). This variant has not been reported in the literature in individuals affected with AXIN2-related conditions. This variant is not present in population databases (gnomAD no frequency). This sequence change replaces asparagine, which is neutral and polar, with serine, which is neutral and polar, at codon 692 of the AXIN2 protein (p.Asn692Ser).

NM_004655.4(AXIN2):c.2075A>G (p.Asn692Ser)

Gene: AXIN2 (axin 2; minus strand). Cytogenetic location: 17q24.1.
Variant type: single nucleotide variant.
Coding change: c.2075A>G on transcript NM_004655.4 (MANE Select); coding-DNA position 2075, A replaced by G.
Protein change: p.Asn692Ser; replaces asparagine 692 with serine.
Molecular consequence: missense variant.
Genome position (GRCh38, 1-based): chr17:65,536,386, T>C on the plus strand (A>G on the coding strand, the complement: AXIN2 is on the minus strand). VCF-style: chr17-65536386-T-C. GRCh37 (hg19) VCF-style: chr17-63532504-T-C.
Other names: c.1880A>G, p.Asn627Ser (NM_001363813.1); c.2075A>G (LRG_296t1); short protein forms N692S, N627S.
Identifiers: ClinVar variation 464594 (VCV000464594.8), dbSNP rs1555577070, ClinGen allele CA400676038.